The following is an entry in ClinVar:

NM_004979.6(KCND1):c.1307G>C (p.Arg436Pro)

Gene: KCND1 (potassium voltage-gated channel subfamily D member 1; minus strand). Cytogenetic location: Xp11.23.
Variant type: single nucleotide variant.
Coding change: c.1307G>C on transcript NM_004979.6 (MANE Select); coding-DNA position 1307, G replaced by C.
Protein change: p.Arg436Pro; replaces arginine 436 with proline.
Molecular consequence: missense variant.
Genome position (GRCh38, 1-based): chrX:48,966,822, C>G on the plus strand (G>C on the coding strand, the complement: KCND1 is on the minus strand). VCF-style: chrX-48966822-C-G. GRCh37 (hg19) VCF-style: chrX-48823229-C-G.
Other names: short protein forms R436P.
Identifiers: ClinVar variation 5018015 (VCV005018015.1).

ClinVar aggregate classification (germline): Uncertain significance (1 of 4 stars; one submission).

Submission:

GeneDx
Classification: Uncertain significance. Last evaluated: 2026-03-31. Review status: criteria provided, single submitter. Criteria: GeneDx Variant Classification Process June 2021. Collection method: clinical testing. Allele origin: germline.
Comment: Not observed at significant frequency in large population cohorts (gnomAD); In silico analysis supports that this missense variant has a deleterious effect on protein structure/function; Has not been previously published as pathogenic or benign to our knowledge